The following is an entry in ClinVar:

ClinVar aggregate classification (germline): Uncertain significance (1 of 4 stars; one submission).

gnomAD v4.1: 4 of 1,610,796 alleles (0.00025%); highest among the groups gnomAD compares: African/African-American, 0.0027%; no homozygotes.

Submission:

Labcorp Genetics (formerly Invitae), Labcorp
Classification: Uncertain significance. Last evaluated: 2025-09-23. Review status: criteria provided, single submitter. Criteria: Invitae Variant Classification Sherloc (09022015). Collection method: clinical testing. Allele origin: germline.
Comment: This sequence change replaces arginine, which is basic and polar, with histidine, which is basic and polar, at codon 171 of the MOCS3 protein (p.Arg171His). This variant is present in population databases (rs747860925, gnomAD 0.004%). This variant has not been reported in the literature in individuals affected with MOCS3-related conditions. An algorithm developed to predict the effect of missense changes on protein structure and function (PolyPhen-2) suggests that this variant is likely to be tolerated. In summary, the available evidence is currently insufficient to determine the role of this variant in disease. Therefore, it has been classified as a Variant of Uncertain Significance.

NM_014484.5(MOCS3):c.512G>A (p.Arg171His)

Gene: MOCS3 (molybdenum cofactor synthesis 3; plus strand). Cytogenetic location: 20q13.13.
Variant type: single nucleotide variant.
Coding change: c.512G>A on transcript NM_014484.5 (MANE Select); coding-DNA position 512, G replaced by A.
Protein change: p.Arg171His; replaces arginine 171 with histidine.
Molecular consequence: missense variant.
Genome position (GRCh38, 1-based): chr20:50,959,354, G>A. VCF-style: chr20-50959354-G-A. GRCh37 (hg19) VCF-style: chr20-49575891-G-A.
Other names: short protein forms R171H.
Identifiers: ClinVar variation 4752791 (VCV004752791.1).